The following is an entry in ClinVar:

ClinVar aggregate classification (germline): Likely benign (0 of 4 stars; one submission).

Conditions:
KIAA0586-related disorder. Also called: KIAA0586-related condition; KIAA0586- Related disorders.

Submission:

PreventionGenetics, part of Exact Sciences
Classification: Likely benign for KIAA0586-related condition. Last evaluated: 2020-08-25. Review status: no assertion criteria provided. Collection method: clinical testing. Allele origin: germline.
Comment: This variant is classified as likely benign based on ACMG/AMP sequence variant interpretation guidelines (Richards et al. 2015 PMID: 25741868, with internal and published modifications).

NM_001329943.3(KIAA0586):c.411-1360G>A

Gene: KIAA0586 (KIAA0586; plus strand). Cytogenetic location: 14q23.1.
Variant type: single nucleotide variant.
Coding change: c.411-1360G>A on transcript NM_001329943.3 (MANE Select); 1360 bases into the intron before coding-DNA position 411, G replaced by A.
Molecular consequence: intron variant.
Genome position (GRCh38, 1-based): chr14:58,441,346, G>A. VCF-style: chr14-58441346-G-A. GRCh37 (hg19) VCF-style: chr14-58908064-G-A.
Other names: c.569+3G>A (NM_001244189.2); c.366-1360G>A (NM_001244190.2); c.278+3G>A (NM_001244192.2); c.156-1360G>A (NM_001244191.2, NM_001364701.2, NM_001329945.2 and 1 more transcripts); c.411-1360G>A (NM_001329944.2, NM_001329946.2, NM_001329947.2 and 1 more transcripts); c.-10-1360G>A (NM_001244193.2).
Identifiers: ClinVar variation 3048739 (VCV003048739.2), dbSNP rs2542747650, ClinGen allele CA2625059783.
Genomic context (GRCh38, chr14:58,441,346, plus strand): 5'-ACCTCCTCAGGCTCATGAGATCCTCCCACCTCAGCCTCCCGAGTAGCTGGGACTACAGGT[G>A]TGTGCCACCACACCTGGCTAATTTTTGTATTTTTTGTAGAGTCAGGATTTTGCCATGTTG-3'